The following is an entry in ClinVar:

NM_206933.4(USH2A):c.12028A>G (p.Thr4010Ala)

Gene: USH2A (usherin; minus strand). Cytogenetic location: 1q41.
Variant type: single nucleotide variant.
Coding change: c.12028A>G on transcript NM_206933.4 (MANE Select); coding-DNA position 12028, A replaced by G.
Protein change: p.Thr4010Ala; replaces threonine 4010 with alanine.
Molecular consequence: missense variant.
Genome position (GRCh38, 1-based): chr1:215,728,068, T>C on the plus strand (A>G on the coding strand, the complement: USH2A is on the minus strand). VCF-style: chr1-215728068-T-C. GRCh37 (hg19) VCF-style: chr1-215901410-T-C.
Other names: short protein forms T4010A.
Identifiers: ClinVar variation 1496354 (VCV001496354.5), dbSNP rs765237520, ClinGen allele CA1393576.
Genomic context (GRCh38, chr1:215,728,068, plus strand): 5'-TTACTTTTCTAAAGGGTCTTACCTTCACTGTGAAAGCATGCACGGTAGGGCTGTTAAATG[T>C]AGGATCGTCGGGTCTCTCCTGGTAGACCACACGGTAATGGGAGATAATGCCATTGGGAGA-3'
Protein context (NP_996816.3, residues 4000-4020): VVYQERPDDP[Thr4010Ala]FNSPTVHAFT

ClinVar aggregate classification (germline): Uncertain significance (1 of 4 stars; one submission).

Allele frequency attached by ClinVar (database versions not stated): gnomAD exomes below 0.00001 and 0.00001; ExAC 0.00001; gnomAD 0.00001.
gnomAD v4.1: 5 of 1,614,198 alleles (0.00031%); highest among the groups gnomAD compares: Non-Finnish European, 0.00034%; no homozygotes.

Submission:

Labcorp Genetics (formerly Invitae), Labcorp
Classification: Uncertain significance. Last evaluated: 2022-06-13. Review status: criteria provided, single submitter. Criteria: Invitae Variant Classification Sherloc (09022015). Collection method: clinical testing. Allele origin: germline.
Comment: This sequence change replaces threonine, which is neutral and polar, with alanine, which is neutral and non-polar, at codon 4010 of the USH2A protein (p.Thr4010Ala). This variant is present in population databases (rs765237520, gnomAD 0.002%). This variant has not been reported in the literature in individuals affected with USH2A-related conditions. Algorithms developed to predict the effect of missense changes on protein structure and function output the following: SIFT: "Tolerated"; PolyPhen-2: "Benign"; Align-GVGD: "Class C0". The alanine amino acid residue is found in multiple mammalian species, which suggests that this missense change does not adversely affect protein function. In summary, the available evidence is currently insufficient to determine the role of this variant in disease. Therefore, it has been classified as a Variant of Uncertain Significance.